The following is an entry in ClinVar:

ClinVar aggregate classification (germline): Uncertain significance (1 of 4 stars; one submission).

Submission:

Labcorp Genetics (formerly Invitae), Labcorp
Classification: Uncertain significance. Last evaluated: 2024-10-22. Review status: criteria provided, single submitter. Criteria: Invitae Variant Classification Sherloc (09022015). Collection method: clinical testing. Allele origin: germline.
Comment: This sequence change replaces threonine, which is neutral and polar, with serine, which is neutral and polar, at codon 321 of the MOCS3 protein (p.Thr321Ser). This variant is not present in population databases (gnomAD no frequency). This variant has not been reported in the literature in individuals affected with MOCS3-related conditions. An algorithm developed to predict the effect of missense changes on protein structure and function (PolyPhen-2) suggests that this variant is likely to be tolerated. In summary, the available evidence is currently insufficient to determine the role of this variant in disease. Therefore, it has been classified as a Variant of Uncertain Significance.

NM_014484.5(MOCS3):c.962C>G (p.Thr321Ser)

Gene: MOCS3 (molybdenum cofactor synthesis 3; plus strand). Cytogenetic location: 20q13.13.
Variant type: single nucleotide variant.
Coding change: c.962C>G on transcript NM_014484.5 (MANE Select); coding-DNA position 962, C replaced by G.
Protein change: p.Thr321Ser; replaces threonine 321 with serine.
Molecular consequence: missense variant.
Genome position (GRCh38, 1-based): chr20:50,959,804, C>G. VCF-style: chr20-50959804-C-G. GRCh37 (hg19) VCF-style: chr20-49576341-C-G.
Other names: short protein forms T321S.
Identifiers: ClinVar variation 3656355 (VCV003656355.2).